The following is an entry in ClinVar:

NM_004069.6(AP2S1):c.267+31G>A

Gene: AP2S1 (adaptor related protein complex 2 subunit sigma 1; minus strand). Cytogenetic location: 19q13.32.
Variant type: single nucleotide variant.
Coding change: c.267+31G>A on transcript NM_004069.6 (MANE Select); 31 bases into the intron after coding-DNA position 267, G replaced by A.
Molecular consequence: intron variant.
Genome position (GRCh38, 1-based): chr19:46,839,434, C>T on the plus strand (G>A on the coding strand, the complement: AP2S1 is on the minus strand). VCF-style: chr19-46839434-C-T. GRCh37 (hg19) VCF-style: chr19-47342691-C-T.
Other names: c.154-635G>A (NM_021575.5); c.309+31G>A (NM_001301078.3); c.273+31G>A (NM_001301081.3); c.315+31G>A (NM_001301076.3).
Identifiers: ClinVar variation 1707202 (VCV001707202.4), dbSNP rs181763835, ClinGen allele CA9532949.

ClinVar aggregate classification (germline): Likely benign. Review status: criteria provided, multiple submitters, no conflicts (2 of 4 stars). 2 submissions from 2 submitters: Likely benign (2). Last evaluated 2025-03-04.

Allele frequency attached by ClinVar (database versions not stated): gnomAD 0.00117; 1000 Genomes Project 0.00180; TOPMed 0.00250; ExAC 0.00318.
gnomAD v4.1: 1,423 of 1,508,182 alleles (0.094%); highest among the groups gnomAD compares: Admixed American, 2.2%; 34 homozygotes.

Submissions (2):

Center for Genomic Medicine, Rigshospitalet, Copenhagen University Hospital
Classification: Likely benign. Last evaluated: 2025-03-04. Review status: criteria provided, single submitter. Criteria: ACMG Guidelines, 2015. Collection method: clinical testing. Allele origin: germline.

GeneDx
Classification: Likely benign. Last evaluated: 2021-05-22. Review status: criteria provided, single submitter. Criteria: GeneDx Variant Classification Process June 2021. Collection method: clinical testing. Allele origin: germline. Affected: yes.
Comment: See Variant Classification Assertion Criteria.